The following is an entry in ClinVar:

NM_001375567.1(FOCAD):c.2616T>G (p.Leu872=)

Gene: FOCAD (focadhesin; plus strand). Cytogenetic location: 9p21.3.
Variant type: single nucleotide variant.
Coding change: c.2616T>G on transcript NM_001375567.1 (MANE Select); coding-DNA position 2616, T replaced by G.
Protein change: p.Leu872=; no amino-acid change (leucine 872 retained).
Molecular consequence: synonymous variant.
Genome position (GRCh38, 1-based): chr9:20,885,221, T>G. VCF-style: chr9-20885221-T-G. GRCh37 (hg19) VCF-style: chr9-20885220-T-G.
Other names: c.2511T>G, p.Leu837= (NM_001375568.1, NM_001375570.1); c.2616T>G, p.Leu872= (NM_017794.5).
Identifiers: ClinVar variation 2882263 (VCV002882263.3), dbSNP rs1221679392, ClinGen allele CA464059742.
Genomic context (GRCh38, chr9:20,885,221, plus strand): 5'-ACCATTGAACAGACTGATGGCCAGCAGAGGGCGAAGTTTCAAGCAGACTTCACTTGCTCT[T>G]GTACATGAGGTAGGTTCCCGTGTCCTCTTCTTTATGTTTTAGTGTTTTCTCCCTTCATGA-3'
Protein context (NP_001362496.1, residues 862-882): GRSFKQTSLA[Leu872=]VHEVHIQLSE

ClinVar aggregate classification (germline): Uncertain significance (1 of 4 stars; one submission).

Allele frequency attached by ClinVar (database versions not stated): TOPMed 0.00001; gnomAD exomes 0.00002.
gnomAD v4.1: 27 of 1,519,698 alleles (0.0018%); highest among the groups gnomAD compares: Non-Finnish European, 0.0023%; no homozygotes.

Submission:

Labcorp Genetics (formerly Invitae), Labcorp
Classification: Uncertain significance. Last evaluated: 2023-12-13. Review status: criteria provided, single submitter. Criteria: Invitae Variant Classification Sherloc (09022015). Collection method: clinical testing. Allele origin: germline.
Comment: This sequence change affects codon 872 of the FOCAD mRNA. It is a 'silent' change, meaning that it does not change the encoded amino acid sequence of the FOCAD protein. This variant is not present in population databases (gnomAD no frequency). This variant has not been reported in the literature in individuals affected with FOCAD-related conditions. In summary, the available evidence is currently insufficient to determine the role of this variant in disease. Therefore, it has been classified as a Variant of Uncertain Significance.